The following is an entry in ClinVar:

ClinVar aggregate classification (germline): Uncertain significance (1 of 4 stars; one submission).

Conditions:
Epidermolysis bullosa simplex with nail dystrophy (EBS5D). Identifiers: MedGen C4225309, MONDO:0014661, OMIM 616487.
Epidermolysis bullosa simplex, Ogna type (EBS5A). Also called: EPIDERMOLYSIS BULLOSA SIMPLEX 5A, OGNA TYPE; Pidermolysis bullosa simplex 5A, Ogna type. Identifiers: Orphanet 79401, MedGen C0432317, MONDO:0007555, OMIM 131950.
Autosomal recessive limb-girdle muscular dystrophy type 2Q (LGMDR17). Also called: MUSCULAR DYSTROPHY, LIMB-GIRDLE, AUTOSOMAL RECESSIVE 17. Identifiers: Orphanet 254361, MedGen C3150989, MONDO:0013390, OMIM 613723.
Epidermolysis bullosa simplex 5B, with muscular dystrophy (EBS5B). Also called: EPIDERMOLYSIS BULLOSA SIMPLEX AND LIMB-GIRDLE MUSCULAR DYSTROPHY; Epidermolysis bullosa simplex with muscular dystrophy. Identifiers: Orphanet 257, MedGen C2931072, MONDO:0009181, OMIM 226670.
Epidermolysis bullosa simplex 5C, with pyloric atresia (EBS5C). Also called: PLEC-Related Epidermolysis Bullosa with Pyloric Atresia; Epidermolysis bullosa simplex with pyloric atresia; PLEC1-Related Epidermolysis Bullosa with Pyloric Atresia. Identifiers: Orphanet 158684, MedGen C2677349, MONDO:0012807, OMIM 612138.

Submission:

Labcorp Genetics (formerly Invitae), Labcorp
Classification: Uncertain significance for Autosomal recessive limb-girdle muscular dystrophy type 2Q; Epidermolysis bullosa simplex, Ogna type; Epidermolysis bullosa simplex with nail dystrophy; Epidermolysis bullosa simplex 5C, with pyloric atresia; Epidermolysis bullosa simplex 5B, with muscular dystrophy. Last evaluated: 2025-09-22. Review status: criteria provided, single submitter. Criteria: Invitae Variant Classification Sherloc (09022015). Collection method: clinical testing. Allele origin: germline.
Comment: This sequence change replaces alanine, which is neutral and non-polar, with aspartic acid, which is acidic and polar, at codon 2123 of the PLEC protein (p.Ala2123Asp). This variant is not present in population databases (gnomAD no frequency). This variant has not been reported in the literature in individuals affected with PLEC-related conditions. An algorithm developed to predict the effect of missense changes on protein structure and function (PolyPhen-2) suggests that this variant is likely to be tolerated. In summary, the available evidence is currently insufficient to determine the role of this variant in disease. Therefore, it has been classified as a Variant of Uncertain Significance.

NM_201384.3(PLEC):c.6287C>A (p.Ala2096Asp)

Gene: PLEC (plectin; minus strand). Cytogenetic location: 8q24.3.
Variant type: single nucleotide variant.
Coding change: c.6287C>A on transcript NM_201384.3 (MANE Select); coding-DNA position 6287, C replaced by A.
Protein change: p.Ala2096Asp; replaces alanine 2096 with aspartic acid.
Molecular consequence: missense variant. On other transcripts: intron variant (1).
Genome position (GRCh38, 1-based): chr8:143,923,642, G>T on the plus strand (C>A on the coding strand, the complement: PLEC is on the minus strand). VCF-style: chr8-143923642-G-T. GRCh37 (hg19) VCF-style: chr8-144997810-G-T.
Other names: c.6368C>A, p.Ala2123Asp (NM_000445.5); c.6245C>A, p.Ala2082Asp (NM_201378.4); c.6221C>A, p.Ala2074Asp (NM_201379.3); c.6698C>A, p.Ala2233Asp (NM_201380.4); c.6191C>A, p.Ala2064Asp (NM_201381.3); c.6287C>A, p.Ala2096Asp (NM_201382.4); c.6299C>A, p.Ala2100Asp (NM_201383.3); c.4126-1247C>A (NM_001410941.1); short protein forms A2096D, A2233D, A2064D, A2074D, A2100D, A2123D, A2082D.
Identifiers: ClinVar variation 4791899 (VCV004791899.1).